The following is an entry in ClinVar:

NM_015338.6(ASXL1):c.1589C>A (p.Ala530Glu)

Gene: ASXL1 (ASXL transcriptional regulator 1; plus strand). Cytogenetic location: 20q11.21.
Variant type: single nucleotide variant.
Coding change: c.1589C>A on transcript NM_015338.6 (MANE Select); coding-DNA position 1589, C replaced by A.
Protein change: p.Ala530Glu; replaces alanine 530 with glutamic acid.
Molecular consequence: missense variant.
Genome position (GRCh38, 1-based): chr20:32,433,787, C>A. VCF-style: chr20-32433787-C-A. GRCh37 (hg19) VCF-style: chr20-31021590-C-A.
Other names: c.1406C>A, p.Ala469Glu (NM_001363734.1); short protein forms A530E, A469E.
Identifiers: ClinVar variation 3955951 (VCV003955951.1).
Genomic context (GRCh38, chr20:32,433,787, plus strand): 5'-TGCCTCAGGAAACTGTGGATCAGGAACCCAAGGATCAGAAGAGGAAATCCTTTGAGCAGG[C>A]GGCCTCTGCATCCTTTCCCGAAAAGAAGCCCCGGCTTGAAGATCGTCAGTCCTTTCGTAA-3'
Protein context (NP_056153.2, residues 520-540): KDQKRKSFEQ[Ala530Glu]ASASFPEKKP

ClinVar aggregate classification (germline): Uncertain significance (1 of 4 stars; one submission).

Conditions:
Inborn genetic diseases. Identifiers: MedGen C0950123, MeSH D030342.

Submission:

Ambry Genetics
Classification: Uncertain significance for Inborn genetic diseases. Last evaluated: 2025-04-07. Review status: criteria provided, single submitter. Criteria: Ambry Variant Classification Scheme 2023. Collection method: clinical testing. Allele origin: germline.
Comment: The p.A530E variant (also known as c.1589C>A), located in coding exon 12 of the ASXL1 gene, results from a C to A substitution at nucleotide position 1589. The alanine at codon 530 is replaced by glutamic acid, an amino acid with dissimilar properties. This amino acid position is conserved. In addition, this alteration is predicted to be tolerated by in silico analysis. Based on the available evidence, the clinical significance of this variant remains unclear.